The following is an entry in ClinVar:

ClinVar aggregate classification (germline): Likely benign. Review status: criteria provided, single submitter (1 of 4 stars). 2 submissions from 2 submitters: Likely benign (1). 1 of the submissions does not count toward it. Last evaluated 2025-07-30.

Conditions:
DEAF1-related disorder.

Allele frequency attached by ClinVar (database versions not stated): 1000 Genomes Project 30x 0.00016; 1000 Genomes Project 0.00020.
gnomAD v4.1: 41 of 1,613,782 alleles (0.0025%); highest among the groups gnomAD compares: South Asian, 0.0044%; no homozygotes.

Submissions (2):

Labcorp Genetics (formerly Invitae), Labcorp
Classification: Likely benign. Last evaluated: 2025-07-30. Review status: criteria provided, single submitter. Criteria: Invitae Variant Classification Sherloc (09022015). Collection method: clinical testing. Allele origin: germline.

PreventionGenetics, part of Exact Sciences
Classification: Likely benign for DEAF1-related condition. Last evaluated: 2019-03-06. Review status: no assertion criteria provided. Collection method: clinical testing. Allele origin: germline. Not counted in ClinVar's aggregate classification.
Comment: This variant is classified as likely benign based on ACMG/AMP sequence variant interpretation guidelines (Richards et al. 2015 PMID: 25741868, with internal and published modifications).

NM_021008.4(DEAF1):c.336T>C (p.Asn112=)

Gene: DEAF1 (DEAF1 transcription factor; minus strand). Cytogenetic location: 11p15.5.
Variant type: single nucleotide variant.
Coding change: c.336T>C on transcript NM_021008.4 (MANE Select); coding-DNA position 336, T replaced by C.
Protein change: p.Asn112=; no amino-acid change (asparagine 112 retained).
Molecular consequence: synonymous variant. On other transcripts: 5 prime UTR variant (1).
Genome position (GRCh38, 1-based): chr11:691,552, A>G on the plus strand (T>C on the coding strand, the complement: DEAF1 is on the minus strand). VCF-style: chr11-691552-A-G. GRCh37 (hg19) VCF-style: chr11-691552-A-G.
Other names: c.336T>C, p.Asn112= (NM_001293634.2); c.-391T>C (NM_001367390.1).
Identifiers: ClinVar variation 1596531 (VCV001596531.10), dbSNP rs147580202, ClinGen allele CA5786590.